The following is an entry in ClinVar:

NM_002875.5(RAD51):c.225+615G>A

Gene: RAD51 (RAD51 recombinase; plus strand). Cytogenetic location: 15q15.1.
Variant type: single nucleotide variant.
Coding change: c.225+615G>A on transcript NM_002875.5 (MANE Select); 615 bases into the intron after coding-DNA position 225, G replaced by A.
Molecular consequence: intron variant. On other transcripts: missense variant (2).
Genome position (GRCh38, 1-based): chr15:40,701,816, G>A. VCF-style: chr15-40701816-G-A. GRCh37 (hg19) VCF-style: chr15-40994014-G-A.
Other names: c.236G>A, p.Arg79His (NM_001164269.2, NM_133487.4); c.225+615G>A (NM_001164270.2); short protein forms R79H.
Identifiers: ClinVar variation 1050071 (VCV001050071.1), dbSNP rs539197008, ClinGen allele CA268839246.

ClinVar aggregate classification (germline): Uncertain significance (0 of 4 stars; one submission).

Allele frequency attached by ClinVar (database versions not stated): gnomAD 0.00003 and 0.00005; gnomAD exomes 0.00004; 1000 Genomes Project 30x 0.00016; 1000 Genomes Project 0.00020.

Submission:

Department of Pathology and Laboratory Medicine, Sinai Health System
Classification: Uncertain significance. Review status: no assertion criteria provided. Collection method: clinical testing. Allele origin: unknown. Affected: yes. Study: The Canadian Open Genetics Repository (COGR).
Comment: The RAD51 p.Arg79His variant was not identified in the literature nor was it identified in ClinVar, Cosmic or LOVD 3.0. The variant was identified in dbSNP (ID: rs539197008) and in control databases in 1 of 25322 chromosomes at a frequency of 0.000039 (Genome Aggregation Database Feb 27, 2017). The variant was observed in the European (non-Finnish) population in 1 of 11202 chromosomes (freq: 0.000089), while the variant was not observed in the African, Latino, Ashkenazi Jewish, East Asian, European (Finnish), Other or South Asian populations. The variant occurs outside of the splicing consensus sequence and in silico or computational prediction software programs (SpliceSiteFinder, MaxEntScan, NNSPLICE, GeneSplicer) do not predict a difference in splicing. The p.Arg79 residue is not conserved in mammals and computational analyses (PolyPhen-2, SIFT, AlignGVGD, BLOSUM, MutationTaster) do not suggest a high likelihood of impact to the protein; however, this information is not predictive enough to rule out pathogenicity. In summary, based on the above information the clinical significance of this variant cannot be determined with certainty at this time. This variant is classified as a variant of uncertain significance.